The following is an entry in ClinVar:

NM_152296.5(ATP1A3):c.2403T>A (p.Asp801Glu)

Gene: ATP1A3 (ATPase Na+/K+ transporting subunit alpha 3; minus strand). Cytogenetic location: 19q13.2.
Variant type: single nucleotide variant.
Coding change: c.2403T>A on transcript NM_152296.5 (MANE Select); coding-DNA position 2403, T replaced by A.
Protein change: p.Asp801Glu; replaces aspartic acid 801 with glutamic acid.
Molecular consequence: missense variant.
Genome position (GRCh38, 1-based): chr19:41,970,403, A>T on the plus strand (T>A on the coding strand, the complement: ATP1A3 is on the minus strand). VCF-style: chr19-41970403-A-T. GRCh37 (hg19) VCF-style: chr19-42474555-A-T.
Other names: c.2436T>A, p.Asp812Glu (NM_001256213.2); c.2442T>A, p.Asp814Glu (NM_001256214.2); short protein forms D801E, D812E, D814E.
Identifiers: ClinVar variation 582425 (VCV000582425.1), dbSNP rs1568854338, ClinGen allele CA406039278.

ClinVar aggregate classification (germline): Uncertain significance (1 of 4 stars; one submission).

Conditions:
Dystonia 12 (DYT12). Also called: DYT-ATP1A3; Rapid-Onset Dystonia-Parkinsonism (RDP). Identifiers: Orphanet 71517, MedGen C1868681, MONDO:0007496, OMIM 128235.

Submission:

Labcorp Genetics (formerly Invitae), Labcorp
Classification: Uncertain significance for Dystonia 12. Last evaluated: 2018-04-16. Review status: criteria provided, single submitter. Criteria: Invitae Variant Classification Sherloc (09022015). Collection method: clinical testing. Allele origin: germline.
Comment: This sequence change replaces aspartic acid with glutamic acid at codon 801 of the ATP1A3 protein (p.Asp801Glu). The aspartic acid residue is moderately conserved and there is a small physicochemical difference between aspartic acid and glutamic acid. This variant is not present in population databases (ExAC no frequency). This variant has been reported to be de novo in individuals affected with alternating hemiplegia of childhoodÂ¬â€ (PMID:Â¬â€ 24100174). Algorithms developed to predict the effect of missense changes on protein structure and function do not agree on the potential impact of this missense change (SIFT: "Deleterious"; PolyPhen-2: "Possibly Damaging"; Align-GVGD: "Class C0"). A different missense substitution at this codon (p.Asp801Asn) has been determined to be pathogenic (PMID: 22842232, 22850527, 23409136, 24842602, 24431296,Â¬â€ 25523819).Â¬â€ This suggests that the aspartic acid residue is critical for ATP1A3 protein function and that other missense substitutions at this position may also be pathogenic. In summary, the available evidence is currently insufficient to determine the role of this variant in disease. Therefore, it has been classified as a Variant of Uncertain Significance.

Literature cited by the submitters: PubMed 24842602; PubMed 23409136; PubMed 22850527; PubMed 24431296; PubMed 22842232.